The following is an entry in ClinVar:

NM_152468.5(TMC8):c.1746del (p.Leu583fs)

Gene: TMC8 (transmembrane channel like 8; plus strand). Cytogenetic location: 17q25.3.
Variant type: Deletion.
Coding change: c.1746del on transcript NM_152468.5 (MANE Select); coding-DNA position 1746, one base deleted (G; older notation c.1746delG).
Protein change: p.Leu583fs; shifts the reading frame from leucine 583.
Molecular consequence: frameshift variant.
Genome position (GRCh38, 1-based): chr17:78,138,655, G deleted; the last of 3 consecutive G bases (chr17:78,138,653-78,138,655); deleting any one gives the same sequence. VCF-style (leftmost placement, unchanged base first): chr17-78138652-TG-T. GRCh37 (hg19) VCF-style: chr17-76134733-TG-T.
Other names: c.1746delG (NM_152468.4); short protein forms L583fs.
Identifiers: ClinVar variation 658615 (VCV000658615.9), dbSNP rs1598923748, ClinGen allele CA915952225.

ClinVar aggregate classification (germline): Pathogenic (1 of 4 stars; one submission).

Conditions:
Epidermodysplasia verruciformis. Identifiers: Orphanet 302, MedGen C0014522, MONDO:0009176.

Submission:

Labcorp Genetics (formerly Invitae), Labcorp
Classification: Pathogenic for Epidermodysplasia verruciformis. Last evaluated: 2019-02-10. Review status: criteria provided, single submitter. Criteria: Invitae Variant Classification Sherloc (09022015). Collection method: clinical testing. Allele origin: germline.
Comment: For these reasons, this variant has been classified as Pathogenic. Loss-of-function variants in TMC8 are known to be pathogenic (PMID: 12426567, 22158547). This variant has not been reported in the literature in individuals with TMC8-related disease. This variant is not present in population databases (ExAC no frequency). This sequence change creates a premature translational stop signal (p.Leu583Serfs*29) in the TMC8 gene. It is expected to result in an absent or disrupted protein product.

Literature cited by the submitters: PubMed 12426567; PubMed 22158547.